The following is an entry in ClinVar:

NM_018116.4(MSTO1):c.810T>A (p.Arg270=)

Gene: MSTO1 (misato mitochondrial distribution and morphology regulator 1; plus strand). Cytogenetic location: 1q22.
Variant type: single nucleotide variant.
Coding change: c.810T>A on transcript NM_018116.4 (MANE Select); coding-DNA position 810, T replaced by A.
Protein change: p.Arg270=; no amino-acid change (arginine 270 retained).
Molecular consequence: synonymous variant. On other transcripts: non-coding transcript variant (6).
Genome position (GRCh38, 1-based): chr1:155,612,313, T>A. VCF-style: chr1-155612313-T-A. GRCh37 (hg19) VCF-style: chr1-155582104-T-A.
Other names: p.Arg270=; c.810T>A, p.Arg270= (NM_001256532.1, NM_001256533.1, NM_001350772.1 and 3 more transcripts); c.645T>A, p.Arg215= (NM_001350776.1); c.279T>A, p.Arg93= (NM_001350777.1, NM_001350778.1, NM_001350779.1); c.276T>A, p.Arg92= (NM_001350780.1, NM_001350781.1, NM_001350782.1 and 3 more transcripts); c.267T>A, p.Arg89= (NM_001350784.1, NM_001350785.1, NM_001350787.1 and 1 more transcripts); c.810T>A (NM_018116.3).
Identifiers: ClinVar variation 1668571 (VCV001668571.10), dbSNP rs74603138, ClinGen allele CA1148015.

ClinVar aggregate classification (germline): Benign. Review status: criteria provided, multiple submitters, no conflicts (2 of 4 stars). 3 submissions from 3 submitters: Benign (3). Last evaluated 2026-01-19.

Allele frequency attached by ClinVar (database versions not stated): gnomAD exomes 0.00159; ExAC 0.00199; gnomAD 0.00574 and 0.00637; 1000 Genomes Project 0.00579; TOPMed 0.00614; 1000 Genomes Project 30x 0.00656; ESP Exome Variant Server 0.00707.
gnomAD v4.1: 1,645 of 1,577,824 alleles (0.1%); highest among the groups gnomAD compares: African/African-American, 2.1%; 19 homozygotes.

Submissions (3):

Labcorp Genetics (formerly Invitae), Labcorp
Classification: Benign. Last evaluated: 2026-01-19. Review status: criteria provided, single submitter. Criteria: Invitae Variant Classification Sherloc (09022015). Collection method: clinical testing. Allele origin: germline.

Mayo Clinic Laboratories, Mayo Clinic
Classification: Benign. Last evaluated: 2025-04-23. Review status: criteria provided, single submitter. Criteria: ACMG Guidelines, 2015. Collection method: clinical testing. Allele origin: germline. Observed: 3 variant alleles.
Comment: BS1, BS2, BP4, BP7

Breakthrough Genomics
Classification: Benign. Review status: criteria provided, single submitter. Criteria: ACMG Guidelines, 2015. Collection method: not provided. Allele origin: germline. Inheritance: Autosomal recessive inheritance. Affected: yes.